The following is an entry in ClinVar:

NM_000059.4(BRCA2):c.316+1919T>C

Gene: BRCA2 (BRCA2 DNA repair associated; plus strand). Cytogenetic location: 13q13.1.
Variant type: single nucleotide variant.
Coding change: c.316+1919T>C on transcript NM_000059.4 (MANE Select); 1919 bases into the intron after coding-DNA position 316, T replaced by C.
Molecular consequence: intron variant.
Genome position (GRCh38, 1-based): chr13:32,321,244, T>C. VCF-style: chr13-32321244-T-C. GRCh37 (hg19) VCF-style: chr13-32895381-T-C.
Other names: IVS 3+1919T>C.
Identifiers: ClinVar variation 209629 (VCV000209629.1), dbSNP rs11571593, ClinGen allele CA276598.

ClinVar aggregate classification (germline): Benign (3 of 4 stars; one submission).

Conditions:
Breast-ovarian cancer, familial, susceptibility to, 2 (BROVCA2). Also called: BRCA2 Hereditary Breast and Ovarian Cancer. Identifiers: Orphanet 145, MedGen C2675520, MONDO:0012933, OMIM 612555. Disease mechanism: loss of function.

Allele frequency attached by ClinVar (database versions not stated): gnomAD 0.00242 and 0.00226; TOPMed 0.00283; 1000 Genomes Project 0.00300; 1000 Genomes Project 30x 0.00312.

Submission:

Evidence-based Network for the Interpretation of Germline Mutant Alleles (ENIGMA)
Classification: Benign for Breast-ovarian cancer, familial 2. Last evaluated: 2015-01-12. Review status: reviewed by expert panel. Criteria: ENIGMA BRCA1/2 Classification Criteria (2015). Collection method: curation. Allele origin: germline.
Comment: Class 1 not pathogenic based on frequency >1% in an outbred sampleset. Frequency 0.01016 (African), derived from 1000 genomes (2012-04-30).